The following is an entry in ClinVar:

ClinVar aggregate classification (germline): Likely pathogenic (1 of 4 stars; one submission).

Conditions:
8q24.3 microdeletion syndrome. Also called: CHROMOSOME 8q24.3 DELETION SYNDROME; Verheij syndrome. Identifiers: Orphanet 508488, MedGen C3810023, MONDO:0014263, OMIM 615583.

Submission:

Laboratorio de Genetica e Diagnostico Molecular, Hospital Israelita Albert Einstein
Classification: Likely pathogenic for 8q24.3 microdeletion syndrome. Last evaluated: 2022-06-06. Review status: criteria provided, single submitter. Criteria: ACMG Guidelines, 2015. Collection method: clinical testing. Allele origin: germline. Affected: yes. Observed: 1 variant allele.
Comment: ACMG classification criteria: PVS1 very strong, PM2 moderated

NM_078480.3(PUF60):c.841C>T (p.Gln281Ter)

Gene: PUF60 (poly(U) binding splicing factor 60; minus strand). Cytogenetic location: 8q24.3.
Variant type: single nucleotide variant.
Coding change: c.841C>T on transcript NM_078480.3 (MANE Select); coding-DNA position 841, C replaced by T.
Protein change: p.Gln281Ter; replaces glutamine 281 with a stop codon.
Molecular consequence: nonsense.
Genome position (GRCh38, 1-based): chr8:143,817,759, G>A on the plus strand (C>T on the coding strand, the complement: PUF60 is on the minus strand). VCF-style: chr8-143817759-G-A. GRCh37 (hg19) VCF-style: chr8-144899929-G-A.
Other names: c.712C>T, p.Gln238Ter (NM_001136033.3); c.787C>T, p.Gln263Ter (NM_001271096.2); c.703C>T, p.Gln235Ter (NM_001271097.2); c.838C>T, p.Gln280Ter (NM_001271098.2); c.754C>T, p.Gln252Ter (NM_001271099.2); c.661C>T, p.Gln221Ter (NM_001271100.2); c.952C>T, p.Gln318Ter (NM_001362895.2, NM_001362896.2); c.901C>T, p.Gln301Ter (NM_001362897.2); and 1 more; short protein forms Q221*, Q235*, Q238*, Q252*, Q263*, Q264*, Q280*, Q281*.
Identifiers: ClinVar variation 2431897 (VCV002431897.1), dbSNP rs2538857659, ClinGen allele CA372489766.